The following is an entry in ClinVar:

ClinVar aggregate classification (germline): Likely benign. Review status: criteria provided, multiple submitters, no conflicts (2 of 4 stars). 2 submissions from 2 submitters: Likely benign (2). Last evaluated 2025-06-01.

Submissions (2):

CeGaT Center for Human Genetics Tuebingen
Classification: Likely benign. Last evaluated: 2025-06-01. Review status: criteria provided, single submitter. Criteria: CeGaT Center For Human Genetics Tuebingen Variant Classification Criteria Version 2. Collection method: clinical testing. Allele origin: germline. Affected: yes. Observed: 1 variant allele.
Comment: PIDD1: BP4, BP7

Blueprint Genetics
Classification: Likely benign. Last evaluated: 2024-10-08. Review status: criteria provided, single submitter. Criteria: ACMG Guidelines, 2015. Collection method: clinical testing. Allele origin: germline.

NM_145886.4(PIDD1):c.2238C>T (p.Asp746=)

Gene: PIDD1 (p53-induced death domain protein 1; minus strand). Cytogenetic location: 11p15.5.
Variant type: single nucleotide variant.
Coding change: c.2238C>T on transcript NM_145886.4 (MANE Select); coding-DNA position 2238, C replaced by T.
Protein change: p.Asp746=; no amino-acid change (aspartic acid 746 retained).
Molecular consequence: synonymous variant.
Genome position (GRCh38, 1-based): chr11:800,167, G>A on the plus strand (C>T on the coding strand, the complement: PIDD1 is on the minus strand). VCF-style: chr11-800167-G-A. GRCh37 (hg19) VCF-style: chr11-800167-G-A.
Other names: c.2187C>T, p.Asp729= (NM_145887.4).
Identifiers: ClinVar variation 4084358 (VCV004084358.9).
Genomic context (GRCh38, chr11:800,167, plus strand): 5'-CCCTCTGCTGTCCCTCAGTCCCACCGGCAGCTTGATGGGCAGAGTGGCCATCCACAGGGC[G>A]TCTGCGCCCTTCCTCTGCCGGGCAGCCTCAGCCTCCTCGGGCACCCGCACAGGCACCGCG-3'
Protein context (NP_665893.2, residues 736-756): AEAARQRKGA[Asp746=]ALWMATLPIK